The following is an entry in ClinVar:

NM_001384140.1(PCDH15):c.4671+1657C>T

Gene: PCDH15 (protocadherin related 15; minus strand). Cytogenetic location: 10q21.1.
Variant type: single nucleotide variant.
Coding change: c.4671+1657C>T on transcript NM_001384140.1 (MANE Select); 1657 bases into the intron after coding-DNA position 4671, C replaced by T.
Molecular consequence: intron variant. On other transcripts: synonymous variant (2), 3 prime UTR variant (1).
Genome position (GRCh38, 1-based): chr10:53,808,899, G>A on the plus strand (C>T on the coding strand, the complement: PCDH15 is on the minus strand). VCF-style: chr10-53808899-G-A. GRCh37 (hg19) VCF-style: chr10-55568659-G-A.
Other names: c.5166C>T, p.Ile1722= (NM_001142769.4); c.*581C>T (NM_001142770.3); c.5145C>T, p.Ile1715= (NM_001354411.2); c.4476+1657C>T (NM_001354420.2); c.4605+1657C>T (NM_001354429.2); c.4482+1657C>T (NM_001142772.2); c.4497+1657C>T (NM_001142771.2).
Identifiers: ClinVar variation 2640481 (VCV002640481.24), dbSNP rs2492111872, ClinGen allele CA469546078.
Genomic context (GRCh38, chr10:53,808,899, plus strand): 5'-TTCCTCCTCACTTTCCACACCTCCTTCCACCGAAGCTGATTCTGCACTGCCCTCTTCAGG[G>A]ATATCTTGAGCTTCAGGGTCTGTACTTTCTTCCACAGGGGCTGGTCCACTTTCTTCTTCT-3'

ClinVar aggregate classification (germline): Likely benign (1 of 4 stars; one submission).

Submission:

CeGaT Center for Human Genetics Tuebingen
Classification: Likely benign. Last evaluated: 2023-06-01. Review status: criteria provided, single submitter. Criteria: CeGaT Center For Human Genetics Tuebingen Variant Classification Criteria Version 2. Collection method: clinical testing. Allele origin: germline. Affected: yes. Observed: 1 variant allele.
Comment: PCDH15: PM2:Supporting, BP4, BP7